The following is an entry in ClinVar:

ClinVar aggregate classification (germline): Likely benign. Review status: criteria provided, multiple submitters, no conflicts (2 of 4 stars). 5 submissions from 5 submitters: Likely benign (5). Last evaluated 2025-07-16.

Conditions:
Cardiac arrhythmia. Also called: Cardiac rhythm disease; Arrhythmia. Identifiers: MedGen C0003811, MONDO:0007263, HP:0011675.
Cardiovascular phenotype. Identifiers: MedGen CN230736.
Long QT syndrome (LQTS). Identifiers: MedGen C0023976, MeSH D008133, MONDO:0002442. Disease mechanism: loss of function. Inheritance: Various modes of inheritance.

Allele frequency attached by ClinVar (database versions not stated): gnomAD 0.00001; TOPMed 0.00001; ExAC 0.00002; gnomAD exomes 0.00002.
gnomAD v4.1: 24 of 1,613,720 alleles (0.0015%); highest among the groups gnomAD compares: East Asian, 0.0022%; no homozygotes.

Submissions (5):

Labcorp Genetics (formerly Invitae), Labcorp
Classification: Likely benign for Long QT syndrome. Last evaluated: 2025-07-16. Review status: criteria provided, single submitter. Criteria: Invitae Variant Classification Sherloc (09022015). Collection method: clinical testing. Allele origin: germline.

All of Us Research Program, National Institutes of Health
Classification: Likely benign for Long QT syndrome. Last evaluated: 2023-06-26. Review status: criteria provided, single submitter. Criteria: ACMG Guidelines, 2015. Collection method: clinical testing. Allele origin: germline. Inheritance: Autosomal dominant inheritance. Observed: 3 variant alleles, 3 heterozygotes.
Comment: This study involves interpretation of variants in research participants for the purpose of population health screening. Participant phenotype was not available at the time of variant classification. Additional details can be found in publication PMID: 35346344, PMCID: PMC8962531

Ambry Genetics
Classification: Likely benign for Cardiovascular phenotype. Last evaluated: 2021-10-01. Review status: criteria provided, single submitter. Criteria: Ambry Variant Classification Scheme 2023. Collection method: clinical testing. Allele origin: germline.

Color Diagnostics, LLC DBA Color Health
Classification: Likely benign for Arrhythmia. Last evaluated: 2020-01-28. Review status: criteria provided, single submitter. Criteria: ACMG Guidelines, 2015. Collection method: clinical testing. Allele origin: germline.

Blueprint Genetics
Classification: Likely benign. Last evaluated: 2019-09-11. Review status: criteria provided, single submitter. Criteria: ACMG Guidelines, 2015. Collection method: clinical testing. Allele origin: germline.

NM_000218.3(KCNQ1):c.1161C>T (p.Pro387=)

Gene: KCNQ1 (potassium voltage-gated channel subfamily Q member 1; plus strand). Cytogenetic location: 11p15.5.
Variant type: single nucleotide variant.
Coding change: c.1161C>T on transcript NM_000218.3 (MANE Select); coding-DNA position 1161, C replaced by T.
Protein change: p.Pro387=; no amino-acid change (proline 387 retained).
Molecular consequence: synonymous variant.
Genome position (GRCh38, 1-based): chr11:2,587,602, C>T. VCF-style: chr11-2587602-C-T. GRCh37 (hg19) VCF-style: chr11-2608832-C-T.
Other names: c.1065C>T, p.Pro355= (NM_001406836.1); c.891C>T, p.Pro297= (NM_001406837.1); c.621C>T, p.Pro207= (NM_001406838.1); c.780C>T, p.Pro260= (NM_181798.2).
Identifiers: ClinVar variation 921294 (VCV000921294.17), dbSNP rs772078282, ClinGen allele CA027492.
Genomic context (GRCh38, chr11:2,587,602, plus strand): 5'-GACAGCCTGTCCCCCTGCCCGACCTCAGACCGCATGGAGGTGCTATGCTGCCGAGAACCC[C>T]GACTCCTCCACCTGGAAGATCTACATCCGGAAGGCCCCCCGGAGCCACACTCTGCTGTCA-3'
Protein context (NP_000209.2, residues 377-397): TAWRCYAAEN[Pro387=]DSSTWKIYIR